The following is an entry in ClinVar:

NM_001605.3(AARS1):c.2075_2080dup (p.Pro693_Val694insAspPro)

Gene: AARS1 (alanyl-tRNA synthetase 1; minus strand). Cytogenetic location: 16q22.1.
Variant type: Duplication.
Coding change: c.2075_2080dup on transcript NM_001605.3 (MANE Select); coding-DNA positions 2075 to 2080, 6 bases duplicated (ACCCTG; older notation c.2075_2080dupACCCTG).
Protein change: p.Pro693_Val694insAspPro.
Molecular consequence: inframe insertion.
Genome position (GRCh38, 1-based): chr16:70,258,130-70,258,135, CAGGGT duplicated on the plus strand (ACCCTG on the coding strand, the reverse complement: AARS1 is on the minus strand); duplicating any 6 consecutive bases within chr16:70,258,130-70,258,139 gives the same sequence; the c. name uses the placement nearest the transcript's 3' end. VCF-style (leftmost placement, unchanged base first): chr16-70258129-A-ACAGGGT. GRCh37 (hg19) VCF-style: chr16-70292032-A-ACAGGGT.
Identifiers: ClinVar variation 4725493 (VCV004725493.1).

ClinVar aggregate classification (germline): Uncertain significance (1 of 4 stars; one submission).

Conditions:
Charcot-Marie-Tooth disease type 2. Also called: Charcot-Marie-Tooth type 2. Identifiers: Orphanet 64746, MedGen C0270914, MONDO:0018993.

Submission:

Labcorp Genetics (formerly Invitae), Labcorp
Classification: Uncertain significance for Charcot-Marie-Tooth disease type 2. Last evaluated: 2025-08-15. Review status: criteria provided, single submitter. Criteria: Invitae Variant Classification Sherloc (09022015). Collection method: clinical testing. Allele origin: germline.
Comment: This variant, c.2075_2080dup, results in the insertion of 2 amino acid(s) of the AARS protein (p.Asp692_Pro693dup), but otherwise preserves the integrity of the reading frame. This variant is not present in population databases (gnomAD no frequency). This variant has not been reported in the literature in individuals affected with AARS-related conditions. In summary, the available evidence is currently insufficient to determine the role of this variant in disease. Therefore, it has been classified as a Variant of Uncertain Significance.